The following is an entry in ClinVar:

ClinVar aggregate classification (germline): Likely pathogenic (1 of 4 stars; one submission).

Submission:

GeneDx
Classification: Likely pathogenic. Last evaluated: 2025-07-17. Review status: criteria provided, single submitter. Criteria: GeneDx Variant Classification Process June 2021. Collection method: clinical testing. Allele origin: germline. Affected: yes.
Comment: Not observed at significant frequency in large population cohorts (gnomAD); In silico analysis supports that this missense variant has a deleterious effect on protein structure/function; Has not been previously published as pathogenic or benign to our knowledge

NM_017934.7(PHIP):c.2176C>T (p.Pro726Ser)

Gene: PHIP (PHIP subunit of CUL4-Ring ligase complex; minus strand). Cytogenetic location: 6q14.1.
Variant type: single nucleotide variant.
Coding change: c.2176C>T on transcript NM_017934.7 (MANE Select); coding-DNA position 2176, C replaced by T.
Protein change: p.Pro726Ser; replaces proline 726 with serine.
Molecular consequence: missense variant.
Genome position (GRCh38, 1-based): chr6:78,997,439, G>A on the plus strand (C>T on the coding strand, the complement: PHIP is on the minus strand). VCF-style: chr6-78997439-G-A. GRCh37 (hg19) VCF-style: chr6-79707156-G-A.
Other names: short protein forms P726S.
Identifiers: ClinVar variation 4686145 (VCV004686145.1).